The following is an entry in ClinVar:

NM_015295.3(SMCHD1):c.5404A>C (p.Lys1802Gln)

Gene: SMCHD1 (structural maintenance of chromosomes flexible hinge domain containing 1; plus strand). Cytogenetic location: 18p11.32.
Variant type: single nucleotide variant.
Coding change: c.5404A>C on transcript NM_015295.3 (MANE Select); coding-DNA position 5404, A replaced by C.
Protein change: p.Lys1802Gln; replaces lysine 1802 with glutamine.
Molecular consequence: missense variant.
Genome position (GRCh38, 1-based): chr18:2,777,843, A>C. VCF-style: chr18-2777843-A-C. GRCh37 (hg19) VCF-style: chr18-2777841-A-C.
Other names: short protein forms K1802Q.
Identifiers: ClinVar variation 2076083 (VCV002076083.4), dbSNP rs2076092479, ClinGen allele CA401686319.
Genomic context (GRCh38, chr18:2,777,843, plus strand): 5'-TTTTAAAATTTCTTTTTATTTAGATCTCTACCTCATTTCCGAAATGGAAAATTGTATTTT[A>C]AACCCATTGGAGATCCAGTCTTTGCTCGAGACTTGTTAACATTTCCAGATAATGTAGAAC-3'
Protein context (NP_056110.2, residues 1792-1812): PHFRNGKLYF[Lys1802Gln]PIGDPVFARD

ClinVar aggregate classification (germline): Uncertain significance (1 of 4 stars; one submission).

Conditions:
Facioscapulohumeral muscular dystrophy 2 (FSHD2). Also called: MUSCULAR DYSTROPHY, FACIOSCAPULOHUMERAL, TYPE 1B; FACIOSCAPULOHUMERAL MUSCULAR DYSTROPHY 2, DIGENIC; FSHD2, DIGENIC. Identifiers: Orphanet 269, MedGen C1834671, MONDO:0008031, OMIM 158901.

Allele frequency attached by ClinVar (database versions not stated): TOPMed below 0.00001.

Submission:

Labcorp Genetics (formerly Invitae), Labcorp
Classification: Uncertain significance for Facioscapulohumeral muscular dystrophy 2. Last evaluated: 2022-03-22. Review status: criteria provided, single submitter. Criteria: Invitae Variant Classification Sherloc (09022015). Collection method: clinical testing. Allele origin: germline.
Comment: In summary, the available evidence is currently insufficient to determine the role of this variant in disease. Therefore, it has been classified as a Variant of Uncertain Significance. Algorithms developed to predict the effect of missense changes on protein structure and function (SIFT, PolyPhen-2, Align-GVGD) all suggest that this variant is likely to be tolerated. This variant has not been reported in the literature in individuals affected with SMCHD1-related conditions. This variant is not present in population databases (gnomAD no frequency). This sequence change replaces lysine, which is basic and polar, with glutamine, which is neutral and polar, at codon 1802 of the SMCHD1 protein (p.Lys1802Gln).